The following is an entry in ClinVar:

ClinVar aggregate classification (germline): Uncertain significance (1 of 4 stars; one submission).

Conditions:
ANKRD1-related dilated cardiomyopathy. Identifiers: MedGen CN119551.

Allele frequency attached by ClinVar (database versions not stated): gnomAD exomes below 0.00001; TOPMed below 0.00001.
gnomAD v4.1: 3 of 1,613,638 alleles (0.00019%); highest among the groups gnomAD compares: African/African-American, 0.0013%; no homozygotes.

Submission:

Labcorp Genetics (formerly Invitae), Labcorp
Classification: Uncertain significance for ANKRD1-related dilated cardiomyopathy. Last evaluated: 2024-08-28. Review status: criteria provided, single submitter. Criteria: Invitae Variant Classification Sherloc (09022015). Collection method: clinical testing. Allele origin: germline.
Comment: This sequence change replaces isoleucine, which is neutral and non-polar, with asparagine, which is neutral and polar, at codon 280 of the ANKRD1 protein (p.Ile280Asn). This variant is not present in population databases (gnomAD no frequency). This variant has not been reported in the literature in individuals affected with ANKRD1-related conditions. ClinVar contains an entry for this variant (Variation ID: 1046972). Invitae Evidence Modeling of protein sequence and biophysical properties (such as structural, functional, and spatial information, amino acid conservation, physicochemical variation, residue mobility, and thermodynamic stability) indicates that this missense variant is not expected to disrupt ANKRD1 protein function with a negative predictive value of 80%. In summary, the available evidence is currently insufficient to determine the role of this variant in disease. Therefore, it has been classified as a Variant of Uncertain Significance.

NM_014391.3(ANKRD1):c.839T>A (p.Ile280Asn)

Gene: ANKRD1 (ankyrin repeat domain 1; minus strand). Cytogenetic location: 10q23.31.
Variant type: single nucleotide variant.
Coding change: c.839T>A on transcript NM_014391.3 (MANE Select); coding-DNA position 839, T replaced by A.
Protein change: p.Ile280Asn; replaces isoleucine 280 with asparagine.
Molecular consequence: missense variant.
Genome position (GRCh38, 1-based): chr10:90,915,553, A>T on the plus strand (T>A on the coding strand, the complement: ANKRD1 is on the minus strand). VCF-style: chr10-90915553-A-T. GRCh37 (hg19) VCF-style: chr10-92675310-A-T.
Other names: short protein forms I280N.
Identifiers: ClinVar variation 1046972 (VCV001046972.8), dbSNP rs1847358948, ClinGen allele CA377549518.